The following is an entry in ClinVar:

ClinVar aggregate classification (germline): Likely benign (1 of 4 stars; one submission).

gnomAD v4.1: 7 of 1,561,440 alleles (0.00045%); highest among the groups gnomAD compares: South Asian, 0.0046%; no homozygotes.

Submission:

CeGaT Center for Human Genetics Tuebingen
Classification: Likely benign. Last evaluated: 2026-04-01. Review status: criteria provided, single submitter. Criteria: CeGaT Center For Human Genetics Tuebingen Variant Classification Criteria Version 2. Collection method: clinical testing. Allele origin: germline. Affected: yes. Observed: 1 variant allele.
Comment: JPH2: BP4, BP7

NM_020433.5(JPH2):c.1620C>T (p.Thr540=)

Gene: JPH2 (junctophilin 2; minus strand). Cytogenetic location: 20q13.12.
Variant type: single nucleotide variant.
Coding change: c.1620C>T on transcript NM_020433.5 (MANE Select); coding-DNA position 1620, C replaced by T.
Protein change: p.Thr540=; no amino-acid change (threonine 540 retained).
Molecular consequence: synonymous variant.
Genome position (GRCh38, 1-based): chr20:44,116,055, G>A on the plus strand (C>T on the coding strand, the complement: JPH2 is on the minus strand). VCF-style: chr20-44116055-G-A. GRCh37 (hg19) VCF-style: chr20-42744695-G-A.
Identifiers: ClinVar variation 4873239 (VCV004873239.2).